The following is an entry in ClinVar:

ClinVar aggregate classification (germline): Uncertain significance (1 of 4 stars; one submission).

Conditions:
Fabry disease. Also called: ALPHA-GALACTOSIDASE A DEFICIENCY; ANDERSON-FABRY DISEASE; CERAMIDE TRIHEXOSIDASE DEFICIENCY; GLA DEFICIENCY; HEREDITARY DYSTOPIC LIPIDOSIS; Angiokeratoma corporis diffusum. Identifiers: Orphanet 324, MedGen C0002986, MONDO:0010526, OMIM 301500, HP:0001071. Disease mechanism: Fabry disease is due to inactivating mutations in the X-linked GLA gene resulting in deficiency of the enzyme Alpha Galactosidase-A., loss of function.

Submission:

Genomenon, Inc
Classification: Uncertain significance for Fabry disease. Last evaluated: 2026-09-08. Review status: criteria provided, single submitter. Criteria: Genomenon Sequence Variant Interpretation Standards - Updated. Collection method: curation. Allele origin: germline. Affected: yes.
Comment: GLA p.Gln119_Tyr123del (c.354_368del) is an in-frame deletion that results in the loss of multiple amino acids, from Glutamine at codon 119 to Tyrosine at codon 123. This variant has been observed in at least one proband with clinical features consistent with Fabry disease (PMID:35971858). It is absent or not present at a significant frequency in gnomAD. In conclusion, we classify GLA p.Gln119_Tyr123del (c.354_368del) as a variant of uncertain significance.

Literature cited by the submitters: PubMed 35971858.

NM_000169.3(GLA):c.354_368del (p.Gln119_Tyr123del)

Genes: GLA (galactosidase alpha; minus strand), RPL36A-HNRNPH2 (RPL36A-HNRNPH2 readthrough; plus strand). Cytogenetic location: Xq22.1.
Variant type: Deletion.
Coding change: c.354_368del on transcript NM_000169.3 (MANE Select); coding-DNA positions 354 to 368, 15 bases deleted (CCAGCTAGCTAATTA).
Protein change: p.Gln119_Tyr123del.
Molecular consequence: inframe deletion. On other transcripts: non-coding transcript variant (3), intron variant (2).
Genome position (GRCh38, 1-based): chrX:101,403,812-101,403,826, TAATTAGCTAGCTGG deleted on the plus strand (CCAGCTAGCTAATTA on the coding strand, the reverse complement: GLA is on the minus strand). VCF-style (leftmost placement, unchanged base first): chrX-101403811-ATAATTAGCTAGCTGG-A. GRCh37 (hg19) VCF-style: chrX-100658799-ATAATTAGCTAGCTGG-A.
Other names: c.477_491del, p.Gln160_Tyr164del (NM_001406747.1, NM_001406749.1); c.354_368del, p.Gln119_Tyr123del (NM_001406748.1); c.301-8124_301-8110del (NM_001199973.2); c.178-8124_178-8110del (NM_001199974.2).
Identifiers: ClinVar variation 4087049 (VCV004087049.2).
Genomic context (GRCh38, chrX:101,403,811, plus strand): 5'-CTTCTGTACAGAAGTGCTTACAGTCCTCTGAATGAACAAGAACATTATCTATAAACTCAC[ATAATTAGCTAGCTGG>A]CGAATCCCATGAGGAAAGCGCTGAGGGTCTGCCTGAAGTCTGCCTTCTGAATCTCTTTGG-3'